The following is an entry in ClinVar:

NM_001018115.3(FANCD2):c.3849+12_3849+13delinsAG

Genes: FANCD2 (FA complementation group D2; plus strand), FANCD2OS (FANCD2 opposite strand; minus strand). Cytogenetic location: 3p25.3.
Variant type: Indel.
Coding change: c.3849+12_3849+13delinsAG on transcript NM_001018115.3 (MANE Select); bases 12 to 13 of the intron after coding-DNA position 3849, GA replaced by AG.
Molecular consequence: intron variant.
Genome position (GRCh38, 1-based): chr3:10,092,264-10,092,265, GA replaced by AG. VCF-style: chr3-10092264-GA-AG. GRCh37 (hg19) VCF-style: chr3-10133948-GA-AG.
Other names: c.3849+12_3849+13delinsAG (NM_001319984.2, NM_033084.6, NM_001374254.1); c.3738+12_3738+13delinsAG (NM_001374253.1); c.*44-10734_*44-10733delinsCT (NM_173472.2).
Identifiers: ClinVar variation 1952111 (VCV001952111.5), dbSNP rs2470066952, ClinGen allele CA2580068379.
Genomic context (GRCh38, chr3:10,092,264, plus strand): 5'-CTGGAACATGGCTGTTCGAGACTTCAGTATCCTCATCAACTTGATAAAGGTGAGTATGGA[GA>AG]CTGCTTGACACATCTCACCAAATAACTGCAGAAACCAAGTGTCCTGGCTTCCAAAATGGA-3'

ClinVar aggregate classification (germline): Uncertain significance (1 of 4 stars; one submission).

Conditions:
Fanconi anemia (FA). Also called: Fanconi's anemia. Identifiers: Orphanet 84, MedGen C0015625, MeSH D005199, MONDO:0019391.

Submission:

Labcorp Genetics (formerly Invitae), Labcorp
Classification: Uncertain significance for Fanconi anemia. Last evaluated: 2022-10-31. Review status: criteria provided, single submitter. Criteria: Invitae Variant Classification Sherloc (09022015). Collection method: clinical testing. Allele origin: germline.
Comment: This sequence change falls in intron 38 of the FANCD2 gene. It does not directly change the encoded amino acid sequence of the FANCD2 protein. Information on the frequency of this variant in the gnomAD database is not available, as this variant may be reported differently in the database. This variant has not been reported in the literature in individuals affected with FANCD2-related conditions. In summary, the available evidence is currently insufficient to determine the role of this variant in disease. Therefore, it has been classified as a Variant of Uncertain Significance. Experimental studies and prediction algorithms are not available or were not evaluated, and the effect of this variant on mRNA splicing is currently unknown.